The following is an entry in ClinVar:

ClinVar aggregate classification (germline): Likely benign. Review status: criteria provided, multiple submitters, no conflicts (2 of 4 stars). 5 submissions from 4 submitters: Likely benign (5). Last evaluated 2026-09-01.

Conditions:
Inborn genetic diseases. Identifiers: MedGen C0950123, MeSH D030342.
Familial cutaneous telangiectasia and oropharyngeal predisposition cancer syndrome. Identifiers: Orphanet 313846, MedGen C3281203, MONDO:0013806, OMIM 614564.
Seckel syndrome 1 (SCKL1). Also called: MICROCEPHALIC PRIMORDIAL DWARFISM I. Identifiers: Orphanet 808, MedGen C4551474, MONDO:0008869, OMIM 210600.

Allele frequency attached by ClinVar (database versions not stated): ExAC 0.00001; gnomAD exomes 0.00001 and 0.00003; ESP Exome Variant Server 0.00008; gnomAD 0.00009; TOPMed 0.00011.

Submissions (5):

CeGaT Center for Human Genetics Tuebingen
Classification: Likely benign. Last evaluated: 2026-09-01. Review status: criteria provided, single submitter. Criteria: CeGaT Center For Human Genetics Tuebingen Variant Classification Criteria Version 2. Collection method: clinical testing. Allele origin: germline. Affected: yes. Observed: 1 variant allele.
Comment: ATR: BP4, BP7

Labcorp Genetics (formerly Invitae), Labcorp
Classification: Likely benign. Last evaluated: 2025-03-16. Review status: criteria provided, single submitter. Criteria: Invitae Variant Classification Sherloc (09022015). Collection method: clinical testing. Allele origin: germline.

Genome-Nilou Lab
Classification: Likely benign for Seckel syndrome 1. Last evaluated: 2023-02-08. Review status: criteria provided, single submitter. Criteria: ACMG Guidelines, 2015. Collection method: clinical testing. Allele origin: germline.

Genome-Nilou Lab
Classification: Likely benign for Familial cutaneous telangiectasia and oropharyngeal predisposition cancer syndrome. Last evaluated: 2023-02-08. Review status: criteria provided, single submitter. Criteria: ACMG Guidelines, 2015. Collection method: clinical testing. Allele origin: germline.

Ambry Genetics
Classification: Likely benign for Inborn genetic diseases. Last evaluated: 2022-05-19. Review status: criteria provided, single submitter. Criteria: Ambry Variant Classification Scheme 2023. Collection method: clinical testing. Allele origin: germline.

NM_001184.4(ATR):c.276C>G (p.Ala92=)

Gene: ATR (ATR checkpoint kinase; minus strand). Cytogenetic location: 3q23.
Variant type: single nucleotide variant.
Coding change: c.276C>G on transcript NM_001184.4 (MANE Select); coding-DNA position 276, C replaced by G.
Protein change: p.Ala92=; no amino-acid change (alanine 92 retained).
Molecular consequence: synonymous variant.
Genome position (GRCh38, 1-based): chr3:142,566,137, G>C on the plus strand (C>G on the coding strand, the complement: ATR is on the minus strand). VCF-style: chr3-142566137-G-C. GRCh37 (hg19) VCF-style: chr3-142284979-G-C.
Other names: c.276C>G, p.Ala92= (NM_001354579.2).
Identifiers: ClinVar variation 702189 (VCV000702189.14), dbSNP rs369461039, ClinGen allele CA2650809.